The following is an entry in ClinVar:

ClinVar aggregate classification (germline): Uncertain significance (1 of 4 stars; one submission).

Conditions:
GM3 synthase deficiency (SPDRS). Also called: AMISH INFANTILE EPILEPSY SYNDROME; SALT AND PEPPER MENTAL RETARDATION SYNDROME; SALT AND PEPPER DEVELOPMENTAL REGRESSION SYNDROME. Identifiers: Orphanet 171714, Orphanet 370933, MedGen C1836824, MONDO:0018274, OMIM 609056.

Submission:

Labcorp Genetics (formerly Invitae), Labcorp
Classification: Uncertain significance for GM3 synthase deficiency. Last evaluated: 2020-03-11. Review status: criteria provided, single submitter. Criteria: Invitae Variant Classification Sherloc (09022015). Collection method: clinical testing. Allele origin: germline.
Comment: This variant is not present in population databases (ExAC no frequency). This sequence change replaces proline with serine at codon 284 of the ST3GAL5 protein (p.Pro284Ser). The proline residue is highly conserved and there is a moderate physicochemical difference between proline and serine. This variant has not been reported in the literature in individuals with ST3GAL5-related conditions. Algorithms developed to predict the effect of missense changes on protein structure and function (SIFT, PolyPhen-2, Align-GVGD) all suggest that this variant is likely to be tolerated, but these predictions have not been confirmed by published functional studies and their clinical significance is uncertain. In summary, the available evidence is currently insufficient to determine the role of this variant in disease. Therefore, it has been classified as a Variant of Uncertain Significance.

NM_003896.4(ST3GAL5):c.850C>T (p.Pro284Ser)

Gene: ST3GAL5 (ST3 beta-galactoside alpha-2,3-sialyltransferase 5; minus strand). Cytogenetic location: 2p11.2.
Variant type: single nucleotide variant.
Coding change: c.850C>T on transcript NM_003896.4 (MANE Select); coding-DNA position 850, C replaced by T.
Protein change: p.Pro284Ser; replaces proline 284 with serine.
Molecular consequence: missense variant. On other transcripts: intron variant (1).
Genome position (GRCh38, 1-based): chr2:85,844,554, G>A on the plus strand (C>T on the coding strand, the complement: ST3GAL5 is on the minus strand). VCF-style: chr2-85844554-G-A. GRCh37 (hg19) VCF-style: chr2-86071677-G-A.
Other names: c.781C>T, p.Pro261Ser (NM_001042437.2); c.849+1823C>T (NM_001363847.1); c.466C>T, p.Pro156Ser (NM_001354223.2, NM_001354224.2, NM_001354226.2 and 3 more transcripts); c.766C>T, p.Pro256Ser (NM_001354227.2, NM_001354229.2, NM_001354238.1); c.127C>T, p.Pro43Ser (NM_001354247.1); short protein forms P156S, P256S, P261S, P284S, P43S.
Identifiers: ClinVar variation 1002821 (VCV001002821.9), dbSNP rs1682539144, ClinGen allele CA347503700.